The following is an entry in ClinVar:

ClinVar aggregate classification (germline): Pathogenic (1 of 4 stars; one submission).

Conditions:
Acid sphingomyelinase deficiency. Identifiers: Orphanet 618899, MedGen C5243927, MONDO:0100464.

Submission:

Myriad Genetics, Inc.
Classification: Pathogenic for Acid sphingomyelinase deficiency. Last evaluated: 2025-09-28. Review status: criteria provided, single submitter. Criteria: Myriad Autosomal Dominant, Autosomal Recessive and X-Linked Classification Criteria (2023). Collection method: clinical testing. Allele origin: unknown.
Comment: NM_000543.4(SMPD1):c.408_421del14(V137Gfs*2) is expected to be pathogenic in the context of Niemann-Pick disease, SMPD1-related. This variant is predicted to lead to an abnormal or absent protein product due to the creation of a premature termination codon in SMPD1, a gene where loss-of-function variants are known to be pathogenic. Please note: this variant was assessed in the context of healthy population screening.

NM_000543.5(SMPD1):c.408_421del (p.Val137fs)

Gene: SMPD1 (sphingomyelin phosphodiesterase 1; plus strand). Cytogenetic location: 11p15.4.
Variant type: Deletion.
Coding change: c.408_421del on transcript NM_000543.5 (MANE Select); coding-DNA positions 408 to 421, 14 bases deleted (TGTCCACCTCTTTG).
Protein change: p.Val137fs; shifts the reading frame from valine 137.
Molecular consequence: frameshift variant. On other transcripts: 5 prime UTR variant (1), non-coding transcript variant (2).
Genome position (GRCh38, 1-based): chr11:6,391,473-6,391,486, TGTCCACCTCTTTG deleted. VCF-style (leftmost placement, unchanged base first): chr11-6391472-TTGTCCACCTCTTTG-T. GRCh37 (hg19) VCF-style: chr11-6412702-TTGTCCACCTCTTTG-T.
Other names: c.405_418del, p.Val136fs (NM_001007593.3); c.408_421del, p.Val137fs (NM_001318087.2, NM_001365135.2); c.-554_-541del (NM_001318088.2); short protein forms V136fs, V137fs.
Identifiers: ClinVar variation 5015028 (VCV005015028.1).